The following is an entry in ClinVar:

ClinVar aggregate classification (germline): Pathogenic (0 of 4 stars; one submission).

Conditions:
Female infertility due to zona pellucida defect (OZEMA1). Also called: Oocyte maturation defect 1; OOCYTE/ZYGOTE/EMBRYO MATURATION ARREST 1. Identifiers: Orphanet 404466, MedGen C4014291, MONDO:0014342, OMIM 615774.

Allele frequency attached by ClinVar (database versions not stated): ExAC 0.00002; gnomAD 0.00002; TOPMed 0.00002; gnomAD exomes 0.00004.
gnomAD v4.1: 59 of 1,614,134 alleles (0.0037%); highest among the groups gnomAD compares: Non-Finnish European, 0.0043%; no homozygotes.

Submission:

Diagnostic Laboratory, Strasbourg University Hospital
Classification: Pathogenic for Female infertility due to zona pellucida defect. Last evaluated: 2021-06-17. Review status: no assertion criteria provided. Collection method: research. Allele origin: inherited. Inheritance: Autosomal recessive inheritance. Affected: yes. Observed: 1 variant allele, 1 homozygote.
Comment: A homozygous c.1037C>T, p.Ala346Val in EPAB (known also as PABPC1L) gene in 3 sisters from a consanguineous Turkish family with female infertility due to oocyte maturation defect. 3D protein modelling studies indicate that the substitution diminishes the global flexibility of the full-length protein and hence could hinder the proper conformation for RNA recognition to be formed.

NM_001372179.1(PABPC1L):c.1037C>T (p.Ala346Val)

Gene: PABPC1L (poly(A) binding protein cytoplasmic 1 like; plus strand). Cytogenetic location: 20q13.12.
Variant type: single nucleotide variant.
Coding change: c.1037C>T on transcript NM_001372179.1 (MANE Select); coding-DNA position 1037, C replaced by T.
Protein change: p.Ala346Val; replaces alanine 346 with valine.
Molecular consequence: missense variant. On other transcripts: non-coding transcript variant (2).
Genome position (GRCh38, 1-based): chr20:44,930,524, C>T. VCF-style: chr20-44930524-C-T. GRCh37 (hg19) VCF-style: chr20-43559165-C-T.
Other names: short protein forms A346V.
Identifiers: ClinVar variation 1172840 (VCV001172840.2), dbSNP rs750947314, ClinGen allele CA9873040.